The following is an entry in ClinVar:

ClinVar aggregate classification (germline): Pathogenic/Likely pathogenic. Review status: criteria provided, multiple submitters, no conflicts (2 of 4 stars). 3 submissions from 3 submitters: Pathogenic (1); Likely pathogenic (1). 1 of the submissions does not count toward it. Last evaluated 2026-01-16.

Conditions:
Recessive dystrophic epidermolysis bullosa (RDEB). Also called: DYSTROPHIC EPIDERMOLYSIS BULLOSA, AUTOSOMAL RECESSIVE; EPIDERMOLYSIS BULLOSA DYSTROPHICA, HALLOPEAU-SIEMENS TYPE; severe generalized recessive dystrophic epidermolysis bullosa; epidermolysis bullosa dystrophica, autosomal recessive; Recessive DEB (RDEB); Hallopeau-Siemens Disease. Identifiers: Orphanet 79408, Orphanet 79409, MedGen C0079474, MONDO:0009179, OMIM 226600.
COL7A1-related disorder. Also called: COL7A1-related condition; COL7A1- related disorders.

gnomAD v4.1: 5 of 1,614,096 alleles (0.00031%); highest among the groups gnomAD compares: South Asian, 0.0055%; no homozygotes.

Submissions (3):

Women's Health and Genetics/Laboratory Corporation of America, LabCorp
Classification: Likely pathogenic for Recessive dystrophic epidermolysis bullosa. Last evaluated: 2026-01-16. Review status: criteria provided, single submitter. Criteria: LabCorp Variant Classification Summary - May 2015. Collection method: clinical testing. Allele origin: germline.
Comment: Variant summary: COL7A1 c.7115G>T (p.Gly2372Val) results in a non-conservative amino acid change located in the Collagen triple helix repeat domain (IPR008160) of the encoded protein sequence. This variant disrupts the triple helix domain of [Gene name]. Glycine residues within the Gly-Xaa-Yaa repeats of the triple helix domain are required for the structure and stability of fibrillar collagens (PMID: 7695699, 8218237, 19344236). Algorithms developed to predict the effect of missense changes on protein structure and function all suggest that this variant is likely to be disruptive. The variant allele was found at a frequency of 4e-06 in 250956 control chromosomes. c.7115G>T has been observed in a homozygous individual affected with Dystrophic Epidermolysis Bullosa, Recessive (Almaani_2011). These data indicate that the variant may be associated with disease. To our knowledge, no experimental evidence demonstrating an impact on protein function has been reported. The following publication have been ascertained in the context of this evaluation (PMID: 21448560). ClinVar contains an entry for this variant (Variation ID: 2203359). Based on the evidence outlined above, the variant was classified as likely pathogenic.

Labcorp Genetics (formerly Invitae), Labcorp
Classification: Pathogenic. Last evaluated: 2024-01-11. Review status: criteria provided, single submitter. Criteria: Invitae Variant Classification Sherloc (09022015). Collection method: clinical testing. Allele origin: germline.
Comment: This sequence change replaces glycine, which is neutral and non-polar, with valine, which is neutral and non-polar, at codon 2372 of the COL7A1 protein (p.Gly2372Val). This variant is present in population databases (no rsID available, gnomAD 0.003%). This missense change has been observed in individual(s) with autosomal recessive dystrophic epidermolysis bullosa (PMID: 21448560). ClinVar contains an entry for this variant (Variation ID: 2203359). Advanced modeling of protein sequence and biophysical properties (such as structural, functional, and spatial information, amino acid conservation, physicochemical variation, residue mobility, and thermodynamic stability) performed at Invitae indicates that this missense variant is expected to disrupt COL7A1 protein function with a positive predictive value of 95%. For these reasons, this variant has been classified as Pathogenic.

PreventionGenetics, part of Exact Sciences
Classification: Likely pathogenic for COL7A1-related condition. Last evaluated: 2024-06-20. Review status: no assertion criteria provided. Collection method: clinical testing. Allele origin: germline. Not counted in ClinVar's aggregate classification.
Comment: The COL7A1 c.7115G>T variant is predicted to result in the amino acid substitution p.Gly2372Val. The amino acid residue p.Gly2372 resides within the triple helical domain of the COL7A1 protein (amino acids 1254-2783). Glycine substitutions within this domain affect the folding and secretion of type VII collagen, and pathogenic variants altering glycine residues have been reported in individuals with COL7A1-related disorders (Dang and Murrell. 2008. PubMed ID: 18558993; Abu Sa'd et al. 2006. PubMed ID: 16439963; Almaani et al. 2011. PubMed ID: 21448560; Vahidnezhad et al. 2017. PubMed ID: 27899325). This variant was reported in the homozygous state in an individual with recessive dystrophic epidermolysis bullosa-bullous dermolysis of the newborn (RDEB-BDN) (Table SII, Almaani et al 2011. PubMed ID: 21448560). This variant is reported in 0.0033% of alleles in individuals of South Asian descent in gnomAD. This variant is interpreted as likely pathogenic.

Literature cited by the submitters: PubMed 21448560 (cited by Women's Health and Genetics/Laboratory Corporation of America, LabCorp and Labcorp Genetics (formerly Invitae), Labcorp).

NM_000094.4(COL7A1):c.7115G>T (p.Gly2372Val)

Gene: COL7A1 (collagen type VII alpha 1 chain; minus strand). Cytogenetic location: 3p21.31.
Variant type: single nucleotide variant.
Coding change: c.7115G>T on transcript NM_000094.4 (MANE Select); coding-DNA position 7115, G replaced by T.
Protein change: p.Gly2372Val; replaces glycine 2372 with valine.
Molecular consequence: missense variant.
Genome position (GRCh38, 1-based): chr3:48,571,150, C>A on the plus strand (G>T on the coding strand, the complement: COL7A1 is on the minus strand). VCF-style: chr3-48571150-C-A. GRCh37 (hg19) VCF-style: chr3-48608583-C-A.
Other names: short protein forms G2372V.
Identifiers: ClinVar variation 2203359 (VCV002203359.6), dbSNP rs1233025207, ClinGen allele CA352651224.